The following is an entry in ClinVar:

ClinVar aggregate classification (germline): Uncertain significance. Review status: criteria provided, single submitter (1 of 4 stars). 2 submissions from 2 submitters: Uncertain significance (1). 1 of the submissions does not count toward it. Last evaluated 2024-03-25.

Conditions:
MED13-related disorder. Also called: MED13-related condition.
Intellectual developmental disorder 61. Also called: INTELLECTUAL DEVELOPMENTAL DISORDER, AUTOSOMAL DOMINANT 61; MENTAL RETARDATION, AUTOSOMAL DOMINANT 61. Identifiers: MedGen C5231400, MONDO:0032485, OMIM 618009.

Allele frequency attached by ClinVar (database versions not stated): gnomAD 0.00001; gnomAD exomes 0.00001; ExAC 0.00002; TOPMed 0.00002.
gnomAD v4.1: 19 of 1,614,014 alleles (0.0012%); highest among the groups gnomAD compares: Admixed American, 0.01%; no homozygotes.

Submissions (2):

Genomic Medicine Center of Excellence, King Faisal Specialist Hospital and Research Centre
Classification: Uncertain significance for Intellectual developmental disorder 61. Last evaluated: 2024-03-25. Review status: criteria provided, single submitter. Criteria: ACMG Guidelines, 2015. Collection method: clinical testing. Allele origin: germline.

PreventionGenetics, part of Exact Sciences
Classification: Uncertain significance for MED13-related condition. Last evaluated: 2024-06-17. Review status: no assertion criteria provided. Collection method: clinical testing. Allele origin: germline. Not counted in ClinVar's aggregate classification.
Comment: The MED13 c.719A>G variant is predicted to result in the amino acid substitution p.Tyr240Cys. To our knowledge, this variant has not been reported in the literature. This variant is reported in 0.014% of alleles in individuals of Latino descent in gnomAD. Although we suspect that this variant may be pathogenic, at this time, the clinical significance of this variant is uncertain due to the absence of conclusive functional and genetic evidence.

NM_005121.3(MED13):c.719A>G (p.Tyr240Cys)

Gene: MED13 (mediator complex subunit 13; minus strand). Cytogenetic location: 17q23.2.
Variant type: single nucleotide variant.
Coding change: c.719A>G on transcript NM_005121.3 (MANE Select); coding-DNA position 719, A replaced by G.
Protein change: p.Tyr240Cys; replaces tyrosine 240 with cysteine.
Molecular consequence: missense variant.
Genome position (GRCh38, 1-based): chr17:62,033,882, T>C on the plus strand (A>G on the coding strand, the complement: MED13 is on the minus strand). VCF-style: chr17-62033882-T-C. GRCh37 (hg19) VCF-style: chr17-60111243-T-C.
Other names: c.719A>G (NM_005121.2); short protein forms Y240C.
Identifiers: ClinVar variation 3064888 (VCV003064888.2), dbSNP rs778653483, ClinGen allele CA8693253.
Genomic context (GRCh38, chr17:62,033,882, plus strand): 5'-TCCCAATCCATATCTTCCTGTTTTTCTTCAGACATCTCCTTCAAGCAACATGAGATAGGA[T>C]AGAACTGTTTCCATTCACCAATTAATTTTTTTGTAGCTGAATCAGACATCTTGAATGCCT-3'
Protein context (NP_005112.2, residues 230-250): KKLIGEWKQF[Tyr240Cys]PISCCLKEMS